The following is an entry in ClinVar:

NM_000179.3(MSH6):c.957G>A (p.Thr319=)

Gene: MSH6 (mutS homolog 6; plus strand). Cytogenetic location: 2p16.3.
Variant type: single nucleotide variant.
Coding change: c.957G>A on transcript NM_000179.3 (MANE Select); coding-DNA position 957, G replaced by A.
Protein change: p.Thr319=; no amino-acid change (threonine 319 retained).
Molecular consequence: synonymous variant.
Genome position (GRCh38, 1-based): chr2:47,798,940, G>A. VCF-style: chr2-47798940-G-A. GRCh37 (hg19) VCF-style: chr2-48026079-G-A.
Other names: c.567G>A, p.Thr189= (NM_001281492.2); c.51G>A, p.Thr17= (NM_001281493.2, NM_001281494.2).
Identifiers: ClinVar variation 232319 (VCV000232319.32), dbSNP rs375210430, ClinGen allele CA073633.

ClinVar aggregate classification (germline): Benign/Likely benign. Review status: criteria provided, multiple submitters, no conflicts (2 of 4 stars). 7 submissions from 7 submitters: Benign (2); Likely benign (4). 1 of the submissions does not count toward it. Last evaluated 2025-12-10.

Conditions:
Hereditary nonpolyposis colorectal neoplasms. Identifiers: MedGen C0009405, MeSH D003123.
Lynch syndrome 5 (LYNCH5). Also called: Colorectal cancer, hereditary nonpolyposis, type 5; Hereditary non-polyposis colorectal cancer, type 5. Identifiers: Orphanet 144, MedGen C1833477, MONDO:0013710, OMIM 614350. Disease mechanism: loss of function.
Hereditary cancer-predisposing syndrome. Also called: Neoplastic Syndromes, Hereditary; Tumor predisposition; Hereditary Cancer Syndrome; Hereditary neoplastic syndrome. Identifiers: Orphanet 140162, MedGen C0027672, MeSH D009386, MONDO:0015356.
Malignant tumor of breast. Also called: Malignant breast neoplasm; Cancer breast. Identifiers: MedGen C0006142, MONDO:0007254. Disease mechanism: loss of function.

Allele frequency attached by ClinVar (database versions not stated): ESP Exome Variant Server 0.00008.
gnomAD v4.1: 19 of 1,614,148 alleles (0.0012%); highest among the groups gnomAD compares: East Asian, 0.0067%; no homozygotes.

Submissions (7):

Labcorp Genetics (formerly Invitae), Labcorp
Classification: Likely benign for Hereditary nonpolyposis colorectal neoplasms. Last evaluated: 2025-12-10. Review status: criteria provided, single submitter. Criteria: Invitae Variant Classification Sherloc (09022015). Collection method: clinical testing. Allele origin: germline.

Myriad Genetics, Inc.
Classification: Benign for Lynch syndrome 5. Last evaluated: 2024-12-20. Review status: criteria provided, single submitter. Criteria: Myriad Autosomal Dominant, Autosomal Recessive and X-Linked Classification Criteria (2023). Collection method: clinical testing. Allele origin: unknown.
Comment: This variant is considered benign. This variant is a silent/synonymous amino acid change and it is not expected to impact splicing.

Sema4
Classification: Likely benign for Hereditary cancer-predisposing syndrome. Last evaluated: 2022-01-23. Review status: criteria provided, single submitter. Criteria: Sema4 Curation Guidelines. Collection method: curation. Allele origin: germline.

Color Diagnostics, LLC DBA Color Health
Classification: Likely benign for Hereditary cancer-predisposing syndrome. Last evaluated: 2017-02-17. Review status: criteria provided, single submitter. Criteria: ACMG Guidelines, 2015. Collection method: clinical testing. Allele origin: germline.

Ambry Genetics
Classification: Likely benign for Hereditary cancer-predisposing syndrome. Last evaluated: 2015-06-10. Review status: criteria provided, single submitter. Criteria: Ambry Variant Classification Scheme 2023. Collection method: clinical testing. Allele origin: germline.

GeneDx
Classification: Benign. Last evaluated: 2015-05-27. Review status: criteria provided, single submitter. Criteria: GeneDx Variant Classification (06012015). Collection method: clinical testing. Allele origin: germline. Affected: yes.
Comment: This variant is considered likely benign or benign based on one or more of the following criteria: it is a conservative change, it occurs at a poorly conserved position in the protein, it is predicted to be benign by multiple in silico algorithms, and/or has population frequency not consistent with disease.

Department of Pathology and Laboratory Medicine, Sinai Health System
Classification: Likely benign for Malignant tumor of breast. Review status: no assertion criteria provided. Collection method: clinical testing. Allele origin: unknown. Affected: yes. Observed: 1 variant allele. Study: The Canadian Open Genetics Repository (COGR). Not counted in ClinVar's aggregate classification.
Comment: The MSH6 p.Thr319= variant was not identified in the literature nor was it identified in the Genesight-COGR, UMD-LSDB, Insight Colon Cancer Gene Variant Database, Zhejiang Colon Cancer Database, Mismatch Repair Genes Variant Database, Insight Hereditary Tumors Database, databases. The variant was identified in dbSNP (ID: rs375210430) as With Likely benign allele, ClinVar (classified as benign by GeneDx; classified as likely benign by Ambry Genetics, Invitae), Clinvitae (classified as likely benign by ClinVar), Cosmic (neutral (score 0.17) ), databases. The variant was identified in control databases in 7 of 246054 chromosomes at a frequency of 0.00003 in the following populations: SouthAsian in 3 of 30780 chromosomes (freq. 0.0001), European in 2 of 111556 chromosomes (freq.0.00002), Latino in 1 of 33574 chromosomes (freq. 0.00003), EastAsian in 1 of 17246 chromosomes (freq. 0.0001) increasing the likelihood this could be a low frequency benign variant (Genome Aggregation Consortium Feb 27, 2017). The p.Thr319= variant is not expected to have clinical significance because it does not result in a change of amino acid and is not located in a known consensus splice site. In addition, in silico or computational prediction software programs (SpliceSiteFinder, MaxEntScan, NNSPLICE, GeneSplicer, HumanSpliceFinder) do not predict a difference in splicing. In summary, based on the above information, the clinical significance of this variant cannot be determined with certainty at this time although we would lean towards a more benign role for this variant. This variant is classified as likely benign.